The following is an entry in ClinVar:

ClinVar aggregate classification (germline): Pathogenic. Review status: criteria provided, multiple submitters, no conflicts (2 of 4 stars). 4 submissions from 4 submitters: Pathogenic (3). 1 of the submissions does not count toward it. Last evaluated 2025-10-21.

Conditions:
Other rare neuromuscular disorders.
Cenani-Lenz syndactyly syndrome. Also called: CENANI SYNDACTYLISM; SYNDACTYLY, TYPE VII. Identifiers: Orphanet 3258, MedGen C1859309, MONDO:0008931, OMIM 212780.
Sclerosteosis 2 (SOST2). Identifiers: Orphanet 3152, MedGen C3280402, MONDO:0013679, OMIM 614305.
Congenital myasthenic syndrome 17. Identifiers: Orphanet 590, MedGen C4225377, MONDO:0014578, OMIM 616304.

Allele frequency attached by ClinVar (database versions not stated): gnomAD 0.00001 and 0.00002; ExAC 0.00002; gnomAD exomes 0.00002; TOPMed 0.00003.
gnomAD v4.1: 31 of 1,611,854 alleles (0.0019%); highest among the groups gnomAD compares: Non-Finnish European, 0.0024%; no homozygotes.

Submissions (4):

NHS Central & South Genomic Laboratory Hub
Classification: Pathogenic for Other rare neuromuscular disorders. Last evaluated: 2025-10-21. Review status: criteria provided, single submitter. Criteria: ACMG Guidelines, 2015. Collection method: clinical testing. Allele origin: germline. Affected: yes.

Labcorp Genetics (formerly Invitae), Labcorp
Classification: Pathogenic for Cenani-Lenz syndactyly syndrome; Sclerosteosis 2; Congenital myasthenic syndrome 17. Last evaluated: 2023-09-10. Review status: criteria provided, single submitter. Criteria: Invitae Variant Classification Sherloc (09022015). Collection method: clinical testing. Allele origin: germline.
Comment: For these reasons, this variant has been classified as Pathogenic. Algorithms developed to predict the effect of sequence changes on RNA splicing suggest that this variant may disrupt the consensus splice site. ClinVar contains an entry for this variant (Variation ID: 428601). Disruption of this splice site has been observed in individual(s) with Cenani-Lenz syndactyly syndrome (PMID: 28559208). It has also been observed to segregate with disease in related individuals. This variant is present in population databases (rs780336679, gnomAD 0.004%). This sequence change affects a donor splice site in intron 3 of the LRP4 gene. It is expected to disrupt RNA splicing. Variants that disrupt the donor or acceptor splice site typically lead to a loss of protein function (PMID: 16199547), and loss-of-function variants in LRP4 are known to be pathogenic (PMID: 23636941, 24924585).

Fulgent Genetics
Classification: Pathogenic for Cenani-Lenz syndactyly syndrome; Sclerosteosis 2; Congenital myasthenic syndrome 17. Last evaluated: 2021-10-17. Review status: criteria provided, single submitter. Criteria: ACMG Guidelines, 2015. Collection method: clinical testing. Allele origin: unknown.

Clinical Genetics, Charité Universitaetsmedizin Berlin
Classification: Pathogenic for Cenani-Lenz syndactyly syndrome. Last evaluated: 2017-03-21. Review status: no assertion criteria provided. Collection method: clinical testing. Allele origin: biparental. Inheritance: Autosomal recessive inheritance. Affected: yes. Observed: 11 variant alleles, 8 heterozygotes, 3 homozygotes. Clinical features observed: 1-5 finger cutaneous syndactyly. Not counted in ClinVar's aggregate classification.
Comment: This variant was observed in a homozygous state in the index and the two affected siblings while all other probands carried the variant in a heterozygous state. The retained intron 3 would add 29 non-native amino acids in the protein with a premature stop codon leading to a truncated protein. The detected novel variant is bioinformatically predicted to be disease-causing (online tools MutationTester, NetGene2, NNSPLICE), and is found in the general population with a very low heterozygote frequency of approximately 1/20,000 (ExAC database). Therefore, the variant is considered to be causative for the observed phenotype.

Literature cited by the submitters: PubMed 28559208 (cited by Labcorp Genetics (formerly Invitae), Labcorp and Clinical Genetics, Charité Universitaetsmedizin Berlin); PubMed 16199547 (cited by Labcorp Genetics (formerly Invitae), Labcorp); PubMed 23636941 (cited by Labcorp Genetics (formerly Invitae), Labcorp); PubMed 24924585 (cited by Labcorp Genetics (formerly Invitae), Labcorp).

NM_002334.4(LRP4):c.316+1G>A

Gene: LRP4 (LDL receptor related protein 4; minus strand). Cytogenetic location: 11p11.2.
Variant type: single nucleotide variant.
Coding change: c.316+1G>A on transcript NM_002334.4 (MANE Select); the canonical splice donor site of the intron after coding-DNA position 316, G replaced by A.
Molecular consequence: splice donor variant.
Genome position (GRCh38, 1-based): chr11:46,900,261, C>T on the plus strand (G>A on the coding strand, the complement: LRP4 is on the minus strand). VCF-style: chr11-46900261-C-T. GRCh37 (hg19) VCF-style: chr11-46921812-C-T.
Identifiers: ClinVar variation 428601 (VCV000428601.10), dbSNP rs780336679, ClinGen allele CA5970549.